The following is an entry in ClinVar:

NM_020247.5(COQ8A):c.1506+1G>A

Gene: COQ8A (coenzyme Q8A; plus strand). Cytogenetic location: 1q42.13.
Variant type: single nucleotide variant.
Coding change: c.1506+1G>A on transcript NM_020247.5 (MANE Select); the canonical splice donor site of the intron after coding-DNA position 1506, G replaced by A.
Molecular consequence: splice donor variant.
Genome position (GRCh38, 1-based): chr1:226,984,656, G>A. VCF-style: chr1-226984656-G-A. GRCh37 (hg19) VCF-style: chr1-227172357-G-A.
Identifiers: ClinVar variation 446283 (VCV000446283.8), dbSNP rs974677376, ClinGen allele CA38652416.

ClinVar aggregate classification (germline): Pathogenic. Review status: criteria provided, single submitter (1 of 4 stars). 2 submissions from 2 submitters: Pathogenic (1). 1 of the submissions does not count toward it. Last evaluated 2022-03-19.

Conditions:
Autosomal recessive ataxia due to ubiquinone deficiency. Also called: Coenzyme Q10 deficiency, primary, 4; SPINOCEREBELLAR ATAXIA, AUTOSOMAL RECESSIVE 9. Identifiers: Orphanet 139485, MedGen C2677589, MONDO:0012784, OMIM 612016.

Allele frequency attached by ClinVar (database versions not stated): gnomAD exomes below 0.00001 and 0.00002; TOPMed below 0.00001.
gnomAD v4.1: 28 of 1,613,754 alleles (0.0017%); highest among the groups gnomAD compares: Non-Finnish European, 0.0023%; no homozygotes.

Submissions (2):

Labcorp Genetics (formerly Invitae), Labcorp
Classification: Pathogenic. Last evaluated: 2022-03-19. Review status: criteria provided, single submitter. Criteria: Invitae Variant Classification Sherloc (09022015). Collection method: clinical testing. Allele origin: germline.
Comment: Algorithms developed to predict the effect of sequence changes on RNA splicing suggest that this variant may disrupt the consensus splice site. For these reasons, this variant has been classified as Pathogenic. ClinVar contains an entry for this variant (Variation ID: 446283). Disruption of this splice site has been observed in individual(s) with coenzyme Q10 deficiency (PMID: 29159460). It has also been observed to segregate with disease in related individuals. This variant is present in population databases (no rsID available, gnomAD 0.0009%). This sequence change affects a donor splice site in intron 12 of the COQ8A gene. It is expected to disrupt RNA splicing. Variants that disrupt the donor or acceptor splice site typically lead to a loss of protein function (PMID: 16199547), and loss-of-function variants in COQ8A are known to be pathogenic (PMID: 18319074, 20580948).

Applied Translational Genetics Group, University of Auckland
Classification: Pathogenic for Autosomal recessive ataxia due to ubiquinone deficiency. Last evaluated: 2017-08-21. Review status: no assertion criteria provided. Collection method: research, in vitro. Allele origin: maternal, paternal. Affected: yes. Observed: 2 compound heterozygotes. Not counted in ClinVar's aggregate classification.

Literature cited by the submitters: PubMed 29159460 (cited by Labcorp Genetics (formerly Invitae), Labcorp); PubMed 16199547 (cited by Labcorp Genetics (formerly Invitae), Labcorp); PubMed 18319074 (cited by Labcorp Genetics (formerly Invitae), Labcorp); PubMed 20580948 (cited by Labcorp Genetics (formerly Invitae), Labcorp).